The following is an entry in ClinVar:

ClinVar aggregate classification (germline): Uncertain significance (1 of 4 stars; one submission).

Conditions:
Stromme syndrome (STROMS). Also called: APPLE PEEL SYNDROME WITH MICROCEPHALY AND OCULAR ANOMALIES; Strømme Syndrome; Ciliary dyskinesia, primary, 31. Identifiers: Orphanet 444069, Orphanet 506307, MedGen C1855705, MONDO:0009477, OMIM 243605.

Submission:

MGZ Medical Genetics Center
Classification: Uncertain significance for Stromme syndrome. Last evaluated: 2022-04-04. Review status: criteria provided, single submitter. Criteria: ACMG Guidelines, 2015. Collection method: clinical testing. Allele origin: germline. Affected: yes. Observed: 1 variant allele.
Comment: ACMG criteria applied: PM3, PM2_SUP, PP3

NM_016343.4(CENPF):c.1068G>A (p.Lys356=)

Gene: CENPF (centromere protein F; plus strand). Cytogenetic location: 1q41.
Variant type: single nucleotide variant.
Coding change: c.1068G>A on transcript NM_016343.4 (MANE Select); coding-DNA position 1068, G replaced by A.
Protein change: p.Lys356=; no amino-acid change (lysine 356 retained).
Molecular consequence: synonymous variant.
Genome position (GRCh38, 1-based): chr1:214,622,281, G>A. VCF-style: chr1-214622281-G-A. GRCh37 (hg19) VCF-style: chr1-214795624-G-A.
Identifiers: ClinVar variation 1709379 (VCV001709379.1), dbSNP rs2528351348, ClinGen allele CA423314100.